The following is an entry in ClinVar:

NM_021975.4(RELA):c.1468G>A (p.Glu490Lys)

Gene: RELA (RELA proto-oncogene, NF-kB subunit; minus strand). Cytogenetic location: 11q13.1.
Variant type: single nucleotide variant.
Coding change: c.1468G>A on transcript NM_021975.4 (MANE Select); coding-DNA position 1468, G replaced by A.
Protein change: p.Glu490Lys; replaces glutamic acid 490 with lysine.
Molecular consequence: missense variant. On other transcripts: intron variant (1).
Genome position (GRCh38, 1-based): chr11:65,654,566, C>T on the plus strand (G>A on the coding strand, the complement: RELA is on the minus strand). VCF-style: chr11-65654566-C-T. GRCh37 (hg19) VCF-style: chr11-65422037-C-T.
Other names: c.1459G>A, p.Glu487Lys (NM_001145138.2); c.1261G>A, p.Glu421Lys (NM_001243984.2); c.1216-57G>A (NM_001243985.2); short protein forms E421K, E490K, E487K.
Identifiers: ClinVar variation 1356312 (VCV001356312.9), dbSNP rs2135548689, ClinGen allele CA381386777.
Genomic context (GRCh38, chr11:65,654,566, plus strand): 5'-GCCTCTGGGCCCCTGTCACTAGGCGAGTTATAGCCTCAGGGTACTCCATCAGCATGGGCT[C>T]AGTTGTGTGGGGGGCCACAGGTATGCCCTGGTTCAGCAGCTGCTGAAACTCGGAGTTGTC-3'
Protein context (NP_068810.3, residues 480-500): QGIPVAPHTT[Glu490Lys]PMLMEYPEAI

ClinVar aggregate classification (germline): Uncertain significance. Review status: criteria provided, multiple submitters, no conflicts (2 of 4 stars). 2 submissions from 2 submitters: Uncertain significance (2). Last evaluated 2024-02-24.

Submissions (2):

Labcorp Genetics (formerly Invitae), Labcorp
Classification: Uncertain significance. Last evaluated: 2024-02-24. Review status: criteria provided, single submitter. Criteria: Invitae Variant Classification Sherloc (09022015). Collection method: clinical testing. Allele origin: germline.
Comment: This sequence change replaces glutamic acid, which is acidic and polar, with lysine, which is basic and polar, at codon 490 of the RELA protein (p.Glu490Lys). This variant is not present in population databases (gnomAD no frequency). This variant has not been reported in the literature in individuals affected with RELA-related conditions. ClinVar contains an entry for this variant (Variation ID: 1356312). An algorithm developed to predict the effect of missense changes on protein structure and function (PolyPhen-2) suggests that this variant is likely to be disruptive. In summary, the available evidence is currently insufficient to determine the role of this variant in disease. Therefore, it has been classified as a Variant of Uncertain Significance.

Institute for Clinical Genetics, University Hospital TU Dresden, University Hospital TU Dresden
Classification: Uncertain significance. Last evaluated: 2023-01-03. Review status: criteria provided, single submitter. Criteria: ACMG Guidelines, 2015. Collection method: clinical testing. Allele origin: germline.